The following is an entry in ClinVar:

NM_003070.5(SMARCA2):c.865C>T (p.Pro289Ser)

Gene: SMARCA2 (SWI/SNF related BAF chromatin remodeling complex subunit ATPase 2; plus strand). Cytogenetic location: 9p24.3.
Variant type: single nucleotide variant.
Coding change: c.865C>T on transcript NM_003070.5 (MANE Select); coding-DNA position 865, C replaced by T.
Protein change: p.Pro289Ser; replaces proline 289 with serine.
Molecular consequence: missense variant.
Genome position (GRCh38, 1-based): chr9:2,047,303, C>T. VCF-style: chr9-2047303-C-T. GRCh37 (hg19) VCF-style: chr9-2047303-C-T.
Other names: c.865C>T, p.Pro289Ser (NM_001289396.2, NM_001289397.2, NM_139045.4); short protein forms P289S.
Identifiers: ClinVar variation 2875326 (VCV002875326.3), dbSNP rs2537243318, ClinGen allele CA372780846.

ClinVar aggregate classification (germline): Uncertain significance (1 of 4 stars; one submission).

Submission:

Labcorp Genetics (formerly Invitae), Labcorp
Classification: Uncertain significance. Last evaluated: 2023-07-09. Review status: criteria provided, single submitter. Criteria: Invitae Variant Classification Sherloc (09022015). Collection method: clinical testing. Allele origin: germline.
Comment: In summary, the available evidence is currently insufficient to determine the role of this variant in disease. Therefore, it has been classified as a Variant of Uncertain Significance. This sequence change replaces proline, which is neutral and non-polar, with serine, which is neutral and polar, at codon 289 of the SMARCA2 protein (p.Pro289Ser). The frequency data for this variant in the population databases is considered unreliable, as metrics indicate insufficient coverage at this position in the gnomAD database. This variant has not been reported in the literature in individuals affected with SMARCA2-related conditions. Advanced modeling of protein sequence and biophysical properties (such as structural, functional, and spatial information, amino acid conservation, physicochemical variation, residue mobility, and thermodynamic stability) performed at Invitae indicates that this missense variant is not expected to disrupt SMARCA2 protein function.